The following is an entry in ClinVar:

ClinVar aggregate classification (germline): Uncertain significance. Review status: criteria provided, multiple submitters, no conflicts (2 of 4 stars). 2 submissions from 2 submitters: Uncertain significance (2). Last evaluated 2022-04-08.

Conditions:
Inborn genetic diseases. Identifiers: MedGen C0950123, MeSH D030342.
DNA ligase IV deficiency. Identifiers: Orphanet 99812, MedGen C1847827, MONDO:0011686, OMIM 606593.

gnomAD v4.1: 1 of 1,613,268 alleles (0.000062%); highest among the groups gnomAD compares: Non-Finnish European, 0.000085%; no homozygotes.

Submissions (2):

Labcorp Genetics (formerly Invitae), Labcorp
Classification: Uncertain significance for DNA ligase IV deficiency. Last evaluated: 2022-04-08. Review status: criteria provided, single submitter. Criteria: Invitae Variant Classification Sherloc (09022015). Collection method: clinical testing. Allele origin: germline.
Comment: In summary, the available evidence is currently insufficient to determine the role of this variant in disease. Therefore, it has been classified as a Variant of Uncertain Significance. Algorithms developed to predict the effect of missense changes on protein structure and function (SIFT, PolyPhen-2, Align-GVGD) all suggest that this variant is likely to be tolerated. This variant has not been reported in the literature in individuals affected with LIG4-related conditions. This variant is not present in population databases (gnomAD no frequency). This sequence change replaces proline, which is neutral and non-polar, with serine, which is neutral and polar, at codon 434 of the LIG4 protein (p.Pro434Ser).

Ambry Genetics
Classification: Uncertain significance for Inborn genetic diseases. Last evaluated: 2021-06-29. Review status: criteria provided, single submitter. Criteria: Ambry Variant Classification Scheme 2023. Collection method: clinical testing. Allele origin: germline.

NM_206937.2(LIG4):c.1300C>T (p.Pro434Ser)

Gene: LIG4 (DNA ligase 4; minus strand). Cytogenetic location: 13q33.3.
Variant type: single nucleotide variant.
Coding change: c.1300C>T on transcript NM_206937.2 (MANE Select); coding-DNA position 1300, C replaced by T.
Protein change: p.Pro434Ser; replaces proline 434 with serine.
Molecular consequence: missense variant.
Genome position (GRCh38, 1-based): chr13:108,209,969, G>A on the plus strand (C>T on the coding strand, the complement: LIG4 is on the minus strand). VCF-style: chr13-108209969-G-A. GRCh37 (hg19) VCF-style: chr13-108862317-G-A.
Other names: c.1300C>T, p.Pro434Ser (NM_001098268.2, NM_001352598.2, NM_001352599.2 and 6 more transcripts); c.1099C>T, p.Pro367Ser (NM_001330595.2); c.1336C>T, p.Pro446Ser (NM_001352604.2); short protein forms P446S, P367S, P434S.
Identifiers: ClinVar variation 1929041 (VCV001929041.6), dbSNP rs2501603914, ClinGen allele CA388617845.